The following is an entry in ClinVar:

ClinVar aggregate classification (germline): Likely benign (1 of 4 stars; one submission).

Allele frequency attached by ClinVar (database versions not stated): gnomAD exomes 0.00043; gnomAD 0.00052; ESP Exome Variant Server 0.00054; TOPMed 0.00064; ExAC 0.00065.
gnomAD v4.1: 765 of 1,613,012 alleles (0.047%); highest among the groups gnomAD compares: Admixed American, 0.022%; 7 homozygotes.

Submission:

CeGaT Center for Human Genetics Tuebingen
Classification: Likely benign. Last evaluated: 2023-02-01. Review status: criteria provided, single submitter. Criteria: CeGaT Center For Human Genetics Tuebingen Variant Classification Criteria Version 2. Collection method: clinical testing. Allele origin: germline. Affected: yes. Observed: 1 variant allele.
Comment: NISCH: BP4, BP7

NM_007184.4(NISCH):c.4146C>T (p.Leu1382=)

Gene: NISCH (nischarin; plus strand). Cytogenetic location: 3p21.1.
Variant type: single nucleotide variant.
Coding change: c.4146C>T on transcript NM_007184.4 (MANE Select); coding-DNA position 4146, C replaced by T.
Protein change: p.Leu1382=; no amino-acid change (leucine 1382 retained).
Molecular consequence: synonymous variant.
Genome position (GRCh38, 1-based): chr3:52,492,113, C>T. VCF-style: chr3-52492113-C-T. GRCh37 (hg19) VCF-style: chr3-52526129-C-T.
Identifiers: ClinVar variation 2653887 (VCV002653887.24), dbSNP rs200860167, ClinGen allele CA2439897.
Genomic context (GRCh38, chr3:52,492,113, plus strand): 5'-GTGCTGCAGGGGCCCCCTGCGCCCCAAGACACTCCTGCTCACCAGCTCCGAGATCTTCCT[C>T]CTGGATGAGGACTGTGTCCACTACCCACTGCCCGAGTTTGCCAAAGAGCCGCCGCAGAGA-3'
Protein context (NP_009115.3, residues 1372-1392): TLLLTSSEIF[Leu1382=]LDEDCVHYPL